The following is an entry in ClinVar:

NM_004408.4(DNM1):c.963C>A (p.Asp321Glu)

Gene: DNM1 (dynamin 1; plus strand). Cytogenetic location: 9q34.11.
Variant type: single nucleotide variant.
Coding change: c.963C>A on transcript NM_004408.4 (MANE Select); coding-DNA position 963, C replaced by A.
Protein change: p.Asp321Glu; replaces aspartic acid 321 with glutamic acid.
Molecular consequence: missense variant.
Genome position (GRCh38, 1-based): chr9:128,222,310, C>A. VCF-style: chr9-128222310-C-A. GRCh37 (hg19) VCF-style: chr9-130984589-C-A.
Other names: c.963C>A, p.Asp321Glu (NM_001005336.3, NM_001288737.2, NM_001288738.2 and 2 more transcripts); short protein forms D321E.
Identifiers: ClinVar variation 2913318 (VCV002913318.3), dbSNP rs767861903, ClinGen allele CA375015508.

ClinVar aggregate classification (germline): Uncertain significance (1 of 4 stars; one submission).

Conditions:
Developmental and epileptic encephalopathy, 31A. Also called: Epileptic encephalopathy, early infantile, 31; Developmental and epileptic encephalopathy, 31. Identifiers: Orphanet 2382, MedGen C4225357, MONDO:0014598, OMIM 616346.

Allele frequency attached by ClinVar (database versions not stated): TOPMed 0.00002.
gnomAD v4.1: 5 of 1,613,906 alleles (0.00031%); highest among the groups gnomAD compares: Non-Finnish European, 0.00042%; no homozygotes.

Submission:

Labcorp Genetics (formerly Invitae), Labcorp
Classification: Uncertain significance for Developmental and epileptic encephalopathy, 31A. Last evaluated: 2023-09-20. Review status: criteria provided, single submitter. Criteria: Invitae Variant Classification Sherloc (09022015). Collection method: clinical testing. Allele origin: germline.
Comment: In summary, the available evidence is currently insufficient to determine the role of this variant in disease. Therefore, it has been classified as a Variant of Uncertain Significance. Advanced modeling of protein sequence and biophysical properties (such as structural, functional, and spatial information, amino acid conservation, physicochemical variation, residue mobility, and thermodynamic stability) has been performed at Invitae for this missense variant, however the output from this modeling did not meet the statistical confidence thresholds required to predict the impact of this variant on DNM1 protein function. This variant has not been reported in the literature in individuals affected with DNM1-related conditions. This variant is present in population databases (no rsID available, gnomAD 0.007%). This sequence change replaces aspartic acid, which is acidic and polar, with glutamic acid, which is acidic and polar, at codon 321 of the DNM1 protein (p.Asp321Glu).